The following is an entry in ClinVar:

NM_000180.4(GUCY2D):c.1084G>A (p.Ala362Thr)

Gene: GUCY2D (guanylate cyclase 2D, retinal; plus strand). Cytogenetic location: 17p13.1.
Variant type: single nucleotide variant.
Coding change: c.1084G>A on transcript NM_000180.4 (MANE Select); coding-DNA position 1084, G replaced by A.
Protein change: p.Ala362Thr; replaces alanine 362 with threonine.
Molecular consequence: missense variant.
Genome position (GRCh38, 1-based): chr17:8,006,420, G>A. VCF-style: chr17-8006420-G-A. GRCh37 (hg19) VCF-style: chr17-7909738-G-A.
Other names: short protein forms A362T.
Identifiers: ClinVar variation 2397621 (VCV002397621.4), dbSNP rs61749677, ClinGen allele CA287524616.

ClinVar aggregate classification (germline): Uncertain significance. Review status: criteria provided, multiple submitters, no conflicts (2 of 4 stars). 3 submissions from 3 submitters: Uncertain significance (3). Last evaluated 2025-10-21.

Conditions:
Inborn genetic diseases. Identifiers: MedGen C0950123, MeSH D030342.
Cone-rod dystrophy 6 (CORD6). Also called: Cone dystrophy progressive; RETINAL CONE DYSTROPHY 2. Identifiers: Orphanet 1872, MedGen C1866293, MONDO:0011143, OMIM 601777.
Leber congenital amaurosis 1 (LCA1). Also called: AMAUROSIS CONGENITA OF LEBER I; Congenital absence of the rods and cones; Leber's congenital tapetoretinal degeneration; Leber's congenital tapetoretinal dysplasia; RETINAL BLINDNESS, CONGENITAL. Identifiers: Orphanet 65, MedGen C2931258, MONDO:0008764, OMIM 204000.

Allele frequency attached by ClinVar (database versions not stated): gnomAD exomes 0.00001; gnomAD 0.00005; TOPMed 0.00005.
gnomAD v4.1: 17 of 1,602,742 alleles (0.0011%); highest among the groups gnomAD compares: Admixed American, 0.01%; no homozygotes.

Submissions (3):

Labcorp Genetics (formerly Invitae), Labcorp
Classification: Uncertain significance for Leber congenital amaurosis 1; Cone-rod dystrophy 6. Last evaluated: 2025-10-21. Review status: criteria provided, single submitter. Criteria: Invitae Variant Classification Sherloc (09022015). Collection method: clinical testing. Allele origin: germline.
Comment: This sequence change replaces alanine, which is neutral and non-polar, with threonine, which is neutral and polar, at codon 362 of the GUCY2D protein (p.Ala362Thr). This variant is present in population databases (no rsID available, gnomAD 0.003%). This variant has not been reported in the literature in individuals affected with GUCY2D-related conditions. ClinVar contains an entry for this variant (Variation ID: 2397621). Invitae Evidence Modeling of protein sequence and biophysical properties (such as structural, functional, and spatial information, amino acid conservation, physicochemical variation, residue mobility, and thermodynamic stability) indicates that this missense variant is not expected to disrupt GUCY2D protein function with a negative predictive value of 80%. In summary, the available evidence is currently insufficient to determine the role of this variant in disease. Therefore, it has been classified as a Variant of Uncertain Significance.

Ambry Genetics
Classification: Uncertain significance for Inborn genetic diseases. Last evaluated: 2022-12-06. Review status: criteria provided, single submitter. Criteria: Ambry Variant Classification Scheme 2023. Collection method: clinical testing. Allele origin: germline.

Blueprint Genetics
Classification: Uncertain significance. Last evaluated: 2017-05-22. Review status: criteria provided, single submitter. Criteria: ACMG Guidelines, 2015. Collection method: clinical testing. Allele origin: germline.